The following is an entry in ClinVar:

ClinVar aggregate classification (germline): Uncertain significance. Review status: criteria provided, multiple submitters, no conflicts (2 of 4 stars). 2 submissions from 2 submitters: Uncertain significance (2). Last evaluated 2025-05-18.

Conditions:
Spermatogenic failure 80 (SPGF80). Identifiers: MedGen C5774301, MONDO:0859364, OMIM 620222.
Inborn genetic diseases. Identifiers: MedGen C0950123, MeSH D030342.

gnomAD v4.1: 3 of 1,614,076 alleles (0.00019%); highest among the groups gnomAD compares: South Asian, 0.0033%; no homozygotes.

Submissions (2):

Ambry Genetics
Classification: Uncertain significance for Inborn genetic diseases. Last evaluated: 2025-05-18. Review status: criteria provided, single submitter. Criteria: Ambry Variant Classification Scheme 2023. Collection method: clinical testing. Allele origin: germline.

Neuberg Centre For Genomic Medicine, NCGM
Classification: Uncertain significance for Spermatogenic failure 80. Last evaluated: 2023-06-22. Review status: criteria provided, single submitter. Criteria: ACMG Guidelines, 2015. Collection method: clinical testing. Allele origin: germline. Inheritance: Autosomal recessive inheritance. Affected: yes.
Comment: The missense c.1114G>A(p.Asp372Asn) variant in DRC1 gene has not been reported previously as a pathogenic variant nor as a benign variant, to our knowledge. The p.Asp372Asn variant is present with allele frequency of 0.0008% in gnomAD Exomes. This variant has not been submitted to the ClinVar database. Multiple lines of computational evidence (Polyphen - Probably Damaging, SIFT - Damaging and MutationTaster - Disease causing) predict a damaging effect on protein structure and function for this variant. The reference amino acid at this position on DRC1 gene is predicted as conserved by GERP++ and PhyloP across 100 vertebrates. The amino acid Asp at position 372 is changed to a Asn changing protein sequence and it might alter its composition and physico-chemical properties. For these reasons, this variant has been classified as a Variant of Uncertain Significance (VUS).

NM_145038.5(DRC1):c.1114G>A (p.Asp372Asn)

Gene: DRC1 (dynein regulatory complex subunit 1; plus strand). Cytogenetic location: 2p23.3.
Variant type: single nucleotide variant.
Coding change: c.1114G>A on transcript NM_145038.5 (MANE Select); coding-DNA position 1114, G replaced by A.
Protein change: p.Asp372Asn; replaces aspartic acid 372 with asparagine.
Molecular consequence: missense variant.
Genome position (GRCh38, 1-based): chr2:26,444,307, G>A. VCF-style: chr2-26444307-G-A. GRCh37 (hg19) VCF-style: chr2-26667175-G-A.
Other names: c.1114G>A (NM_145038.2); short protein forms D372N.
Identifiers: ClinVar variation 3731529 (VCV003731529.2).